The following is an entry in ClinVar:

ClinVar aggregate classification (germline): Uncertain significance. Review status: criteria provided, multiple submitters, no conflicts (2 of 4 stars). 2 submissions from 2 submitters: Uncertain significance (2). Last evaluated 2025-12-11.

Allele frequency attached by ClinVar (database versions not stated): gnomAD 0.00004 and 0.00005; ExAC 0.00005; TOPMed 0.00005.
gnomAD v4.1: 37 of 1,589,914 alleles (0.0023%); highest among the groups gnomAD compares: African/African-American, 0.011%; no homozygotes.

Submissions (2):

Ambry Genetics
Classification: Uncertain significance. Last evaluated: 2025-12-11. Review status: criteria provided, single submitter. Criteria: Ambry Variant Classification Scheme 2023. Collection method: clinical testing. Allele origin: germline.

Labcorp Genetics (formerly Invitae), Labcorp
Classification: Uncertain significance. Last evaluated: 2021-10-30. Review status: criteria provided, single submitter. Criteria: Invitae Variant Classification Sherloc (09022015). Collection method: clinical testing. Allele origin: germline.
Comment: The frequency data for this variant in the population databases is considered unreliable, as metrics indicate poor data quality at this position in the gnomAD database. This sequence change replaces glutamic acid, which is acidic and polar, with lysine, which is basic and polar, at codon 2323 of the FBN3 protein (p.Glu2323Lys). This variant has not been reported in the literature in individuals affected with FBN3-related conditions. In summary, the available evidence is currently insufficient to determine the role of this variant in disease. Therefore, it has been classified as a Variant of Uncertain Significance. Algorithms developed to predict the effect of missense changes on protein structure and function are either unavailable or do not agree on the potential impact of this missense change (SIFT: "Not Available"; PolyPhen-2: "Possibly Damaging"; Align-GVGD: "Not Available").

NM_032447.5(FBN3):c.6967G>A (p.Glu2323Lys)

Gene: FBN3 (fibrillin 3; minus strand). Cytogenetic location: 19p13.2.
Variant type: single nucleotide variant.
Coding change: c.6967G>A on transcript NM_032447.5 (MANE Select); coding-DNA position 6967, G replaced by A.
Protein change: p.Glu2323Lys; replaces glutamic acid 2323 with lysine.
Molecular consequence: missense variant.
Genome position (GRCh38, 1-based): chr19:8,085,483, C>T on the plus strand (G>A on the coding strand, the complement: FBN3 is on the minus strand). VCF-style: chr19-8085483-C-T. GRCh37 (hg19) VCF-style: chr19-8150367-C-T.
Other names: c.6967G>A, p.Glu2323Lys (NM_001321431.2); c.6967G>A (NM_032447.3); short protein forms E2323K.
Identifiers: ClinVar variation 1461212 (VCV001461212.7), dbSNP rs756356208, ClinGen allele CA9151037.